The following is an entry in ClinVar:

NM_006231.4(POLE):c.4412G>T (p.Arg1471Leu)

Gene: POLE (DNA polymerase epsilon, catalytic subunit; minus strand). Cytogenetic location: 12q24.33.
Variant type: single nucleotide variant.
Coding change: c.4412G>T on transcript NM_006231.4 (MANE Select); coding-DNA position 4412, G replaced by T.
Protein change: p.Arg1471Leu; replaces arginine 1471 with leucine.
Molecular consequence: missense variant.
Genome position (GRCh38, 1-based): chr12:132,643,439, C>A on the plus strand (G>T on the coding strand, the complement: POLE is on the minus strand). VCF-style: chr12-132643439-C-A. GRCh37 (hg19) VCF-style: chr12-133220025-C-A.
Other names: c.4412G>T (NM_006231.2); short protein forms R1471L.
Identifiers: ClinVar variation 938829 (VCV000938829.10), dbSNP rs113809231, ClinGen allele CA6892862.
Genomic context (GRCh38, chr12:132,643,439, plus strand): 5'-CATGATGGGCGGCTGGTGCAGGCCATACCTGGTTCCAGGTAGCTGAACTGGGCCAGAGAG[C>A]GCATCTCCAGGTGCTCAAGAGCAAAGGTCTCTGCTTCCCAGCCTGAAAGGTGCCTCACCA-3'
Protein context (NP_006222.2, residues 1461-1481): ETFALEHLEM[Arg1471Leu]SLAQFSYLEP

ClinVar aggregate classification (germline): Uncertain significance. Review status: criteria provided, multiple submitters, no conflicts (2 of 4 stars). 2 submissions from 2 submitters: Uncertain significance (2). Last evaluated 2023-12-01.

Conditions:
Hereditary cancer-predisposing syndrome. Also called: Tumor predisposition; Hereditary neoplastic syndrome; Hereditary Cancer Syndrome; Neoplastic Syndromes, Hereditary. Identifiers: Orphanet 140162, MedGen C0027672, MeSH D009386, MONDO:0015356.

Allele frequency attached by ClinVar (database versions not stated): ExAC 0.00001.
gnomAD v4.1: 2 of 1,614,224 alleles (0.00012%); highest among the groups gnomAD compares: Admixed American, 0.0017%; no homozygotes.

Submissions (2):

Ambry Genetics
Classification: Uncertain significance for Hereditary cancer-predisposing syndrome. Last evaluated: 2023-12-01. Review status: criteria provided, single submitter. Criteria: Ambry Variant Classification Scheme 2023. Collection method: clinical testing. Allele origin: germline.
Comment: The p.R1471L variant (also known as c.4412G>T), located in coding exon 34 of the POLE gene, results from a G to T substitution at nucleotide position 4412. The arginine at codon 1471 is replaced by leucine, an amino acid with dissimilar properties. This amino acid position is conserved. In addition, the in silico prediction for this alteration is inconclusive. Since supporting evidence is limited at this time, the clinical significance of this alteration remains unclear.

Labcorp Genetics (formerly Invitae), Labcorp
Classification: Uncertain significance. Last evaluated: 2022-07-06. Review status: criteria provided, single submitter. Criteria: Invitae Variant Classification Sherloc (09022015). Collection method: clinical testing. Allele origin: germline.
Comment: This variant is present in population databases (rs113809231, gnomAD 0.003%). This sequence change replaces arginine, which is basic and polar, with leucine, which is neutral and non-polar, at codon 1471 of the POLE protein (p.Arg1471Leu). This variant has not been reported in the literature in individuals affected with POLE-related conditions. ClinVar contains an entry for this variant (Variation ID: 938829). Algorithms developed to predict the effect of missense changes on protein structure and function (SIFT, PolyPhen-2, Align-GVGD) all suggest that this variant is likely to be tolerated. In summary, the available evidence is currently insufficient to determine the role of this variant in disease. Therefore, it has been classified as a Variant of Uncertain Significance.